The following is an entry in ClinVar:

ClinVar aggregate classification (germline): Uncertain significance (1 of 4 stars; one submission).

Conditions:
Charcot-Marie-Tooth disease type 2. Also called: Charcot-Marie-Tooth type 2. Identifiers: Orphanet 64746, MedGen C0270914, MONDO:0018993.

Allele frequency attached by ClinVar (database versions not stated): ExAC 0.00001; gnomAD exomes below 0.00001.
gnomAD v4.1: 1 of 1,613,836 alleles (0.000062%); highest among the groups gnomAD compares: Non-Finnish European, 0.000085%; no homozygotes.

Submission:

Labcorp Genetics (formerly Invitae), Labcorp
Classification: Uncertain significance for Charcot-Marie-Tooth disease type 2. Last evaluated: 2022-12-14. Review status: criteria provided, single submitter. Criteria: Invitae Variant Classification Sherloc (09022015). Collection method: clinical testing. Allele origin: germline.
Comment: This sequence change affects the initiator methionine of the BSCL2 mRNA. The next in-frame methionine is located at codon 57. This variant is present in population databases (rs767589914, gnomAD 0.0009%). This variant has not been reported in the literature in individuals affected with BSCL2-related conditions. In summary, the available evidence is currently insufficient to determine the role of this variant in disease. Therefore, it has been classified as a Variant of Uncertain Significance.

NM_001122955.4(BSCL2):c.193A>G (p.Met65Val)

Genes: BSCL2 (BSCL2 lipid droplet biogenesis associated, seipin; minus strand), HNRNPUL2-BSCL2 (HNRNPUL2-BSCL2 readthrough (NMD candidate); minus strand). Cytogenetic location: 11q12.3.
Variant type: single nucleotide variant.
Coding change: c.193A>G on transcript NM_001122955.4 (MANE Select); coding-DNA position 193, A replaced by G.
Protein change: p.Met65Val; replaces methionine 65 with valine.
Molecular consequence: missense variant. On other transcripts: non-coding transcript variant (1), initiator codon variant (2).
Genome position (GRCh38, 1-based): chr11:62,705,512, T>C on the plus strand (A>G on the coding strand, the complement: BSCL2 is on the minus strand). VCF-style: chr11-62705512-T-C. GRCh37 (hg19) VCF-style: chr11-62472984-T-C.
Other names: c.1A>G, p.Met1Val (NM_001130702.2, NM_032667.6); c.193A>G, p.Met65Val (NM_001386027.1, NM_001386028.1); short protein forms M1V, M65V.
Identifiers: ClinVar variation 2725688 (VCV002725688.3), dbSNP rs767589914, ClinGen allele CA6053642.